The following is an entry in ClinVar:

ClinVar aggregate classification (germline): Uncertain significance (1 of 4 stars; one submission).

Conditions:
Epileptic encephalopathy. Identifiers: MedGen C0543888, HP:0200134.

Allele frequency attached by ClinVar (database versions not stated): ExAC 0.00001; gnomAD exomes 0.00002.
gnomAD v4.1: 17 of 1,608,300 alleles (0.0011%); highest among the groups gnomAD compares: Admixed American, 0.023%; no homozygotes.

Submission:

Labcorp Genetics (formerly Invitae), Labcorp
Classification: Uncertain significance for Epileptic encephalopathy. Last evaluated: 2021-06-04. Review status: criteria provided, single submitter. Criteria: Invitae Variant Classification Sherloc (09022015). Collection method: clinical testing. Allele origin: germline.
Comment: This variant is present in population databases (rs759994870, ExAC 0.002%). This variant has not been reported in the literature in individuals with FASN-related conditions. Algorithms developed to predict the effect of missense changes on protein structure and function output the following: SIFT: "Tolerated"; PolyPhen-2: "Benign"; Align-GVGD: "Class C0". The aspartic acid amino acid residue is found in multiple mammalian species, suggesting that this missense change does not adversely affect protein function. These predictions have not been confirmed by published functional studies and their clinical significance is uncertain. In summary, the available evidence is currently insufficient to determine the role of this variant in disease. Therefore, it has been classified as a Variant of Uncertain Significance. This sequence change replaces glutamic acid with aspartic acid at codon 1211 of the FASN protein (p.Glu1211Asp). The glutamic acid residue is weakly conserved and there is a small physicochemical difference between glutamic acid and aspartic acid.

NM_004104.5(FASN):c.3633G>C (p.Glu1211Asp)

Gene: FASN (fatty acid synthase; minus strand). Cytogenetic location: 17q25.3.
Variant type: single nucleotide variant.
Coding change: c.3633G>C on transcript NM_004104.5 (MANE Select); coding-DNA position 3633, G replaced by C.
Protein change: p.Glu1211Asp; replaces glutamic acid 1211 with aspartic acid.
Molecular consequence: missense variant.
Genome position (GRCh38, 1-based): chr17:82,086,353, C>G on the plus strand (G>C on the coding strand, the complement: FASN is on the minus strand). VCF-style: chr17-82086353-C-G. GRCh37 (hg19) VCF-style: chr17-80044229-C-G.
Other names: short protein forms E1211D.
Identifiers: ClinVar variation 1430859 (VCV001430859.8), dbSNP rs759994870, ClinGen allele CA8852322.